The following is an entry in ClinVar:

ClinVar aggregate classification (germline): Likely benign (0 of 4 stars; one submission).

Conditions:
GAPVD1-related disorder. Also called: GAPVD1-related condition.

Allele frequency attached by ClinVar (database versions not stated): gnomAD 0.00001; gnomAD exomes 0.00001; TOPMed 0.00001.
gnomAD v4.1: 13 of 1,610,790 alleles (0.00081%); highest among the groups gnomAD compares: Non-Finnish European, 0.0011%; no homozygotes.

Submission:

PreventionGenetics, part of Exact Sciences
Classification: Likely benign for GAPVD1-related condition. Last evaluated: 2019-08-15. Review status: no assertion criteria provided. Collection method: clinical testing. Allele origin: germline.
Comment: This variant is classified as likely benign based on ACMG/AMP sequence variant interpretation guidelines (Richards et al. 2015 PMID: 25741868, with internal and published modifications).

NM_001282680.3(GAPVD1):c.3936C>T (p.Phe1312=)

Gene: GAPVD1 (GTPase activating protein and VPS9 domains 1; plus strand). Cytogenetic location: 9q33.3.
Variant type: single nucleotide variant.
Coding change: c.3936C>T on transcript NM_001282680.3 (MANE Select); coding-DNA position 3936, C replaced by T.
Protein change: p.Phe1312=; no amino-acid change (phenylalanine 1312 retained).
Molecular consequence: synonymous variant. On other transcripts: non-coding transcript variant (2).
Genome position (GRCh38, 1-based): chr9:125,355,822, C>T. VCF-style: chr9-125355822-C-T. GRCh37 (hg19) VCF-style: chr9-128118101-C-T.
Other names: c.3990C>T, p.Phe1330= (NM_001282679.2); c.3873C>T, p.Phe1291= (NM_001282681.3, NM_001354297.2, NM_001354300.2); c.3792C>T, p.Phe1264= (NM_001330777.3); c.3855C>T, p.Phe1285= (NM_001330778.3); c.3936C>T, p.Phe1312= (NM_001354294.2, NM_001354295.2, NM_001354296.2 and 3 more transcripts); c.4017C>T, p.Phe1339= (NM_015635.4).
Identifiers: ClinVar variation 3052910 (VCV003052910.2), dbSNP rs1408244803, ClinGen allele CA467139100.